The following is an entry in ClinVar:

ClinVar aggregate classification (germline): Conflicting classifications of pathogenicity. Review status: criteria provided, conflicting classifications (1 of 4 stars). 12 submissions from 12 submitters: Pathogenic (1); Likely pathogenic (7); Uncertain significance (4). Last evaluated 2026-07-02.

Conditions:
Cardiovascular phenotype. Identifiers: MedGen CN230736.
Dilated cardiomyopathy 1G (CMD1G). Identifiers: Orphanet 154, MedGen C1858763, MONDO:0011400, OMIM 604145.
Autosomal recessive limb-girdle muscular dystrophy type 2J (LGMDR10). Also called: MUSCULAR DYSTROPHY, LIMB-GIRDLE, AUTOSOMAL RECESSIVE 10; Limb-girdle muscular dystrophy, type 2J. Identifiers: Orphanet 140922, MedGen C1837342, MONDO:0012127, OMIM 608807.
Cardiomyopathy (CMYO). Also called: Cardiomyopathies. Identifiers: Orphanet 167848, MedGen C0878544, MONDO:0004994, HP:0001638. Inheritance: Various modes of inheritance.
TTN-related disorder. Also called: TTN-related disorders; TTN-related condition; TTN-related disease.

Allele frequency attached by ClinVar (database versions not stated): gnomAD exomes 0.00001 and 0.00006; ESP Exome Variant Server 0.00008; ExAC 0.00001.
gnomAD v4.1: 86 of 1,613,976 alleles (0.0053%); highest among the groups gnomAD compares: Non-Finnish European, 0.0071%; no homozygotes.

Submissions 1 to 5 of 12:

Ambry Genetics
Classification: Uncertain significance for Cardiovascular phenotype. Last evaluated: 2026-07-02. Review status: criteria provided, single submitter. Criteria: Ambry Variant Classification Scheme 2023. Collection method: clinical testing. Allele origin: germline.
Comment: The c.10165+2T>C intronic variant results from a T to C substitution two nucleotides after coding exon 42 in the TTN gene. Exon 42 is located in the I-band region of the N2-B isoform of the titin protein and is constitutively expressed in TTN transcripts (percent spliced in or PSI 100%). This variant was reported in individual(s) with features consistent with dilated cardiomyopathy (Halliday BP et al. Lancet, 2019 01;393:61-73; Horvat C et al. Genet Med, 2019 01;21:133-143; Mazzarotto F et al. Circulation. 2020 Feb;141(5):387-398; Ambry internal data). This variant has also been detected in probands with distal arthrogryposis in conjunction with truncating TTN variants in meta transcript-only exons thought to be expressed solely during fetal development (Oates EC et al. Ann Neurol, 2018 06;83:1105-1124; Ravenscroft G et al. J Med Genet, 2021 09;58:609-618). Note, this variant is also referred to as c.10303+2T>C in the literature. This nucleotide position is highly conserved in available vertebrate species. In silico splice site analysis predicts that this alteration will weaken the native splice donor site. This variant disrupts the canonical splice site and is expected to cause aberrant splicing. However, although direct evidence is unavailable, this alteration is predicted to result in an in-frame transcript that is not expected to trigger nonsense-mediated mRNA decay. In addition, +2T>C alterations are capable of generating wild-type transcripts in some genomic contexts and should be interpreted with caution (Lin JH et al. Hum Mutat. 2019 10;40:1856-1873). The exact functional effect of the predicted splice impact is unknown. Since supporting evidence is limited at this time, the clinical significance of this alteration remains unclear.

Victorian Clinical Genetics Services, Murdoch Childrens Research Institute
Classification: Likely pathogenic for Dilated cardiomyopathy 1G. Last evaluated: 2026-03-17. Review status: criteria provided, single submitter. Criteria: ACMG Guidelines, 2015. Collection method: clinical testing. Allele origin: germline.
Comment: This variant is classified as Likely pathogenic. Evidence in support of pathogenic classification: Canonical splice site variant without proven consequence on splicing (no functional evidence available); Variant is present in gnomAD <0.01 (v4: 86 heterozygote(s), 0 homozygote(s)); Abnormal splicing is predicted by in silico tool and affected nucleotide is highly conserved. Additional information: This variant is heterozygous; This gene is associated with both recessive and dominant disease (OMIM); Previous reports of pathogenicity for this variant are conflicting. It has been classified as VUS, likely pathogenic and pathogenic by clinical laboratories in ClinVar. No clinical informarion about this parent is known. This variant is also reported in the literature in individuals with autosomal dominant dilated cardiomyopathy (PMIDs: 29892087, 30429050, 31983221); No published segregation evidence has been identified for this variant; No published functional evidence has been identified for this variant; No comparable canonical splice site variants have previous evidence for pathogenicity; Variant is located in the annotated I-band and the exon has a PSI score of 100% (PMID: 25589632); Loss of function is known mechanism of disease in this gene. In addition, dominant-negative is also a suggested mechanism (PMID: 25589632); The condition associated with this gene has incomplete penetrance. Variants in this gene that result in a premature truncating codon (PTC) are known to have reduced penetrance for dilated cardiomyopathy (PMID: 25589632); Inheritance information for this variant is not currently available in this individual.

Labcorp Genetics (formerly Invitae), Labcorp
Classification: Likely pathogenic for Dilated cardiomyopathy 1G; Autosomal recessive limb-girdle muscular dystrophy type 2J. Last evaluated: 2026-01-04. Review status: criteria provided, single submitter. Criteria: Invitae Variant Classification Sherloc (09022015). Collection method: clinical testing. Allele origin: germline.
Comment: This sequence change affects a donor splice site in intron 44 of the TTN gene. It is expected to disrupt RNA splicing and likely results in a truncated or disrupted TTN protein. This variant is present in population databases (rs371596417, gnomAD 0.003%). Disruption of this splice site has been observed in individual(s) with muscle weakness and limb contractures or dilated cardiomyopathy (PMID: 29691892, 29892087, 34940998). ClinVar contains an entry for this variant (Variation ID: 404786). Algorithms developed to predict the effect of sequence changes on RNA splicing suggest that this variant may disrupt the consensus splice site. This variant is located in the I band of TTN (PMID: 25589632). Truncating variants in this region have been reported in individuals affected with autosomal recessive centronuclear myopathy (PMID: 23975875, internal data). Truncating variants in this region have also been identified in individuals affected with autosomal dominant dilated cardiomyopathy and/or cardio-related conditions (PMID: 27869827, 32964742, internal data). In summary, the currently available evidence indicates that the variant is pathogenic, but additional data are needed to prove that conclusively. Therefore, this variant has been classified as Likely Pathogenic.

PreventionGenetics, part of Exact Sciences
Classification: Likely pathogenic for TTN-related condition. Last evaluated: 2025-09-29. Review status: criteria provided, single submitter. Criteria: ACMG Guidelines, 2015. Collection method: clinical testing. Allele origin: germline.
Comment: The TTN c.10303+2T>C variant is predicted to disrupt the GT donor site and interfere with normal splicing. Exon 44 is symmetric and if exon skipping occurs, it would not disrupt the reading frame. This variant is located in the N-terminus side of the TTN protein I-band region. RNAseq studies from heart tissue indicate this exon is commonly included in TTN mRNA transcripts (PSI of 100%). TTN truncating variants are reported in 1-2% of presumably healthy individuals and occur more frequently in exons with low PSI values (Roberts et al. 2015. PubMed ID: 25589632; Herman et al. 2012. PubMed ID: 22335739). This variant has been reported in several individuals with dilated cardiomyopathy or other cardiac diseases (Table E, Halliday et al. 2018. PubMed ID: 30429050; Table S4, Horvat et al. 2018. PubMed ID: 29892087; Reported as g.179623709 in Supp. Table 3 Mazzarotto et al. 2020. PubMed ID: 31983221; Reported as c.10165+2T>C in Lenarduzzi. 2023. PubMed ID: 36788754). This variant has been reported in the compound heterozygous state in two unrelated individuals with autosomal recessive congenital titinopathy (Table S1, Oates et al. 2018. PubMed ID: 29691892; Ravenscroft et al. 2020. PubMed ID: 33060286). This variant is reported in 0.0026% of alleles in individuals of European (non-Finnish) descent in gnomAD. This variant has conflicting classifications listed in ClinVar ranging from uncertain to pathogenic (ClinVar ID: 404786). Variants that disrupt the consensus splice donor site in TTN are expected to be pathogenic for autosomal recessive TTN-related disorders. This variant is interpreted as likely pathogenic for autosomal recessive TTN-related disorders; however, it should be considered a variant of uncertain significance for dominant TTN-related disorders.

GeneDx
Classification: Likely pathogenic. Last evaluated: 2025-08-08. Review status: criteria provided, single submitter. Criteria: GeneDx Variant Classification Process June 2021. Collection method: clinical testing. Allele origin: germline. Affected: yes.
Comment: Not observed at significant frequency in large population cohorts (gnomAD); Canonical splice site variant with an unclear effect on protein function; Located in a specific region of the I-band within TTN for which truncating variants are significantly associated with autosomal dominant cardiomyopathy and also with autosomal recessive skeletal myopathies (PMID: 27625338, 27869827, 32778822); This variant is associated with the following publications: (PMID: 35177841, 29892087, 32778822, 29691892, 34135346, 34940998, 31983221, 30429050, 36788754, 31691645, 37652022, 33060286, 27625338, 27869827)

NM_001267550.2(TTN):c.10303+2T>C

Gene: TTN (titin; minus strand). Cytogenetic location: 2q31.2.
Variant type: single nucleotide variant.
Coding change: c.10303+2T>C on transcript NM_001267550.2 (MANE Select); the canonical splice donor site of the intron after coding-DNA position 10303, T replaced by C.
Molecular consequence: splice donor variant.
Genome position (GRCh38, 1-based): chr2:178,758,982, A>G on the plus strand (T>C on the coding strand, the complement: TTN is on the minus strand). VCF-style: chr2-178758982-A-G. GRCh37 (hg19) VCF-style: chr2-179623709-A-G.
Other names: c.10165+2T>C (NM_003319.4, NM_133437.4, NM_133432.3); c.10303+2T>C (NM_133378.4, NM_001256850.1, NM_133379.5 and 1 more transcripts).
Identifiers: ClinVar variation 404786 (VCV000404786.31), dbSNP rs371596417, ClinGen allele CA2004144.
Genomic context (GRCh38, chr2:178,758,982, plus strand): 5'-TACAGACATTGTTAAGATTCGATCTATATTTAAATGGGGTTCTGAAAGTTGTTTTACTTT[A>G]CCTTCCAGACTCAGGTTGGCTGTGCTTGATACTTGGCCTACAGCATTACTAGCAACAAAC-3'